The following is an entry in ClinVar:

ClinVar aggregate classification (germline): Uncertain significance. Review status: criteria provided, multiple submitters, no conflicts (2 of 4 stars). 3 submissions from 3 submitters: Uncertain significance (3). Last evaluated 2024-11-08.

Conditions:
Hereditary sensory and autonomic neuropathy type 6. Also called: Neuropathy, hereditary sensory and autonomic, type VI; HSAN VI. Identifiers: Orphanet 314381, MedGen C3539003, MONDO:0013839, OMIM 614653.
Epidermolysis bullosa simplex 3, localized or generalized intermediate, with BP230 deficiency (EBS3). Also called: Epidermolysis bullosa simplex due to BP230 deficiency; Epidermolysis bullosa simplex, autosomal recessive 2. Identifiers: Orphanet 412181, MedGen C3809470, MONDO:0014180, OMIM 615425.
Inborn genetic diseases. Identifiers: MedGen C0950123, MeSH D030342.

Allele frequency attached by ClinVar (database versions not stated): gnomAD 0.00005; gnomAD exomes 0.00006 and 0.00008; TOPMed 0.00006; ExAC 0.00008.
gnomAD v4.1: 126 of 1,613,540 alleles (0.0078%); highest among the groups gnomAD compares: Non-Finnish European, 0.01%; no homozygotes.

Submissions (3):

Blueprint Genetics
Classification: Uncertain significance. Last evaluated: 2024-11-08. Review status: criteria provided, single submitter. Criteria: ACMG Guidelines, 2015. Collection method: clinical testing. Allele origin: germline.

Ambry Genetics
Classification: Uncertain significance for Inborn genetic diseases. Last evaluated: 2023-11-27. Review status: criteria provided, single submitter. Criteria: Ambry Variant Classification Scheme 2023. Collection method: clinical testing. Allele origin: germline.

Labcorp Genetics (formerly Invitae), Labcorp
Classification: Uncertain significance for Epidermolysis bullosa simplex 3, localized or generalized intermediate, with BP230 deficiency; Hereditary sensory and autonomic neuropathy type 6. Last evaluated: 2022-06-20. Review status: criteria provided, single submitter. Criteria: Invitae Variant Classification Sherloc (09022015). Collection method: clinical testing. Allele origin: germline.
Comment: The DST gene has multiple clinically relevant transcripts. This variant occurs in alternate transcript NM_015548.4, and corresponds to NM_001723.5:c.*108834A>G in the primary transcript. This sequence change replaces lysine, which is basic and polar, with arginine, which is basic and polar, at codon 3826 of the DST protein (p.Lys3826Arg). This variant is present in population databases (rs775631178, gnomAD 0.01%). This variant has not been reported in the literature in individuals affected with DST-related conditions. Experimental studies and prediction algorithms are not available or were not evaluated, and the functional significance of this variant is currently unknown. Algorithms developed to predict the effect of sequence changes on RNA splicing suggest that this variant may create or strengthen a splice site. In summary, the available evidence is currently insufficient to determine the role of this variant in disease. Therefore, it has been classified as a Variant of Uncertain Significance.

NM_001374736.1(DST):c.19346A>G (p.Lys6449Arg)

Gene: DST (dystonin; minus strand). Cytogenetic location: 6p12.1.
Variant type: single nucleotide variant.
Coding change: c.19346A>G on transcript NM_001374736.1 (MANE Select); coding-DNA position 19346, A replaced by G.
Protein change: p.Lys6449Arg; replaces lysine 6449 with arginine.
Molecular consequence: missense variant.
Genome position (GRCh38, 1-based): chr6:56,506,683, T>C on the plus strand (A>G on the coding strand, the complement: DST is on the minus strand). VCF-style: chr6-56506683-T-C. GRCh37 (hg19) VCF-style: chr6-56371481-T-C.
Other names: c.12989A>G, p.Lys4330Arg (NM_001144769.5); c.12575A>G, p.Lys4192Arg (NM_001144770.2); c.19346A>G, p.Lys6449Arg (NM_001374722.1); c.18386A>G, p.Lys6129Arg (NM_001374729.1); c.12128A>G, p.Lys4043Arg (NM_001374730.1); c.19373A>G, p.Lys6458Arg (NM_001374734.1); c.12455A>G, p.Lys4152Arg (NM_001386100.1, NM_183380.4); c.11477A>G, p.Lys3826Arg (NM_015548.5); and 1 more; short protein forms K3826R, K4043R, K4152R, K4192R, K4330R, K6129R, K6449R, K6458R.
Identifiers: ClinVar variation 1019674 (VCV001019674.8), dbSNP rs775631178, ClinGen allele CA3867030.
Genomic context (GRCh38, chr6:56,506,683, plus strand): 5'-TAAAAACTTTTTAAAAGCCATTCTGATAAGTAAGCCAGTTGTACCTCATCTATACTCTTC[T>C]TGACAATGGGTTTATCAGGCTCCCCACATGCCGCAATGAGTTCAGAACCTAGGTTAATAA-3'
Protein context (NP_001361665.1, residues 6439-6459): ACGEPDKPIV[Lys6449Arg]KSIDELNSAW